The following is an entry in ClinVar:

ClinVar aggregate classification (germline): Pathogenic (1 of 4 stars; one submission).

Conditions:
Polycystic kidney disease 2 (PKD2). Also called: Polycystic Kidney Disease 2, Autosomal Dominant; POLYCYSTIC KIDNEY DISEASE, ADULT, TYPE II; POLYCYSTIC KIDNEY DISEASE 2 WITH OR WITHOUT POLYCYSTIC LIVER DISEASE. Identifiers: MedGen C2751306, MONDO:0013131, OMIM 613095.

Submission:

Victorian Clinical Genetics Services, Murdoch Childrens Research Institute
Classification: Pathogenic for Polycystic kidney disease 2. Last evaluated: 2026-03-29. Review status: criteria provided, single submitter. Criteria: ACMG Guidelines, 2015. Collection method: clinical testing. Allele origin: germline. Affected: yes.
Comment: This variant is classified as Pathogenic. Evidence in support of pathogenic classification: Variant is predicted to cause nonsense-mediated decay (NMD) and loss of protein (premature termination codon is located at least 54 nucleotides upstream of the final exon-exon junction); Variant is absent from gnomAD (v2, v3 and v4); Other NMD-predicted variant(s) comparable to the one identified in this case have very strong previous evidence for pathogenicity (DECIPHER). Additional information: This variant is heterozygous; This gene is associated with autosomal dominant disease; Loss of function is a known mechanism of disease in this gene and is associated with polycystic kidney disease 2 (MIM#613095); Inheritance information for this variant is not currently available in this individual.

NM_000297.4(PKD2):c.878G>A (p.Trp293Ter)

Gene: PKD2 (polycystin 2, transient receptor potential cation channel; plus strand). Cytogenetic location: 4q22.1.
Variant type: single nucleotide variant.
Coding change: c.878G>A on transcript NM_000297.4 (MANE Select); coding-DNA position 878, G replaced by A.
Protein change: p.Trp293Ter; replaces tryptophan 293 with a stop codon.
Molecular consequence: nonsense. On other transcripts: non-coding transcript variant (1).
Genome position (GRCh38, 1-based): chr4:88,038,285, G>A. VCF-style: chr4-88038285-G-A. GRCh37 (hg19) VCF-style: chr4-88959437-G-A.
Other names: c.878G>A, p.Trp293Ter (NM_001440544.1); short protein forms W293*.
Identifiers: ClinVar variation 4879719 (VCV004879719.1).